The following is an entry in ClinVar:

NM_006766.5(KAT6A):c.2341G>T (p.Val781Leu)

Gene: KAT6A (lysine acetyltransferase 6A; minus strand). Cytogenetic location: 8p11.21.
Variant type: single nucleotide variant.
Coding change: c.2341G>T on transcript NM_006766.5 (MANE Select); coding-DNA position 2341, G replaced by T.
Protein change: p.Val781Leu; replaces valine 781 with leucine.
Molecular consequence: missense variant.
Genome position (GRCh38, 1-based): chr8:41,942,888, C>A on the plus strand (G>T on the coding strand, the complement: KAT6A is on the minus strand). VCF-style: chr8-41942888-C-A. GRCh37 (hg19) VCF-style: chr8-41800406-C-A.
Other names: c.2341G>T, p.Val781Leu (NM_001305878.2); short protein forms V781L.
Identifiers: ClinVar variation 3767524 (VCV003767524.1).

ClinVar aggregate classification (germline): Uncertain significance (1 of 4 stars; one submission).

gnomAD v4.1: 1 of 1,614,192 alleles (0.000062%); highest among the groups gnomAD compares: Non-Finnish European, 0.000085%; no homozygotes.

Submission:

GeneDx
Classification: Uncertain significance. Last evaluated: 2024-09-10. Review status: criteria provided, single submitter. Criteria: GeneDx Variant Classification Process June 2021. Collection method: clinical testing. Allele origin: germline. Affected: yes.
Comment: Not observed at significant frequency in large population cohorts (gnomAD); In silico analysis indicates that this missense variant does not alter protein structure/function; Has not been previously published as pathogenic or benign to our knowledge